The following is an entry in ClinVar:

NM_001244008.2(KIF1A):c.467A>T (p.Asp156Val)

Gene: KIF1A (kinesin family member 1A; minus strand). Cytogenetic location: 2q37.3.
Variant type: single nucleotide variant.
Coding change: c.467A>T on transcript NM_001244008.2 (MANE Select); coding-DNA position 467, A replaced by T.
Protein change: p.Asp156Val; replaces aspartic acid 156 with valine.
Molecular consequence: missense variant.
Genome position (GRCh38, 1-based): chr2:240,786,476, T>A on the plus strand (A>T on the coding strand, the complement: KIF1A is on the minus strand). VCF-style: chr2-240786476-T-A. GRCh37 (hg19) VCF-style: chr2-241725893-T-A.
Other names: c.467A>T, p.Asp156Val (NM_001320705.2, NM_001330289.2, NM_001330290.2 and 20 more transcripts); short protein forms D156V.
Identifiers: ClinVar variation 1058331 (VCV001058331.9), dbSNP rs2126071766, ClinGen allele CA351306817.
Genomic context (GRCh38, chr2:240,786,476, plus strand): 5'-GGCCCCAGCAGTGGGTGCTCCCTCACGCGAAGGTTGCCCTTGTTCTTGGGGTTCAGGAGG[T>A]CACGGACGCGCTCACAGTAAATCTCCATGTAGCTGACCTGCAGGGCAGAGCCAGGCCATC-3'
Protein context (NP_001230937.1, residues 146-166): YMEIYCERVR[Asp156Val]LLNPKNKGNL

ClinVar aggregate classification (germline): Pathogenic (1 of 4 stars; one submission).

Conditions:
Neuropathy, hereditary sensory, type 2C. Also called: Hereditary sensory and autonomic neuropathy type IIC; KIF1A-Related HSAN2 (HSAN2C). Identifiers: Orphanet 970, MedGen C3280168, MONDO:0013634, OMIM 614213.
Intellectual disability, autosomal dominant 9 (NESCAVS). Also called: KIF1A-Related Neurodevelopmental Disorder; NESCAV SYNDROME. Identifiers: Orphanet 662367, MedGen C5393830, MONDO:0013656, OMIM 614255.
Hereditary spastic paraplegia 30. Identifiers: Orphanet 101010, MedGen C5235139, MONDO:0012476.

Submission:

Labcorp Genetics (formerly Invitae), Labcorp
Classification: Pathogenic for Hereditary spastic paraplegia 30; Neuropathy, hereditary sensory, type 2C; Intellectual disability, autosomal dominant 9. Last evaluated: 2020-10-29. Review status: criteria provided, single submitter. Criteria: Invitae Variant Classification Sherloc (09022015). Collection method: clinical testing. Allele origin: germline.
Comment: This variant has been observed in individual(s) with clinical features of KIF1A-related disorders (Invitae). In at least one individual the variant was observed to be de novo. Advanced modeling of protein sequence and biophysical properties (such as structural, functional, and spatial information, amino acid conservation, physicochemical variation, residue mobility, and thermodynamic stability) performed at Invitae indicates that this missense variant is expected to disrupt KIF1A protein function. For these reasons, this variant has been classified as Pathogenic. This variant is not present in population databases (ExAC no frequency). This sequence change replaces aspartic acid with valine at codon 156 of the KIF1A protein (p.Asp156Val). The aspartic acid residue is highly conserved and there is a large physicochemical difference between aspartic acid and valine.